The following is an entry in ClinVar:

NM_002087.3(GRN):c.1144dup (p.Thr382Asnfs)

Gene: GRN (granulin precursor; plus strand). Cytogenetic location: 17q21.31.
Variant type: Duplication.
Coding change: c.1144dup on transcript NM_002087.3; coding-DNA position 1144, one base duplicated (A; older notation c.1144dupA).
Protein change: p.Thr382Asnfs; shifts the reading frame from threonine 382.
Molecular consequence: frameshift variant (on NM_002087.4).
Genome position (GRCh38, 1-based): chr17:44,351,760, A duplicated. VCF-style (leftmost placement, unchanged base first): chr17-44351759-C-CA. GRCh37 (hg19) VCF-style: chr17-42429127-C-CA.
Other names: c.1144dup, p.Thr382fs (NM_002087.4); short protein forms T382fs.
Identifiers: ClinVar variation 98169 (VCV000098169.7), dbSNP rs63749905, ClinGen allele CA225311.

ClinVar aggregate classification (germline): Pathogenic. Review status: criteria provided, single submitter (1 of 4 stars). 3 submissions from 3 submitters: Pathogenic (1). 2 of the submissions do not count toward it. Last evaluated 2021-10-31.

Conditions:
GRN-related frontotemporal lobar degeneration with Tdp43 inclusions (FTD2). Also called: DEMENTIA, HEREDITARY DYSPHASIC DISINHIBITION; FRONTOTEMPORAL LOBAR DEGENERATION WITH UBIQUITIN-POSITIVE INCLUSIONS; FTLD-TDP, GRN-RELATED; FRONTOTEMPORAL DEMENTIA WITH TDP43 INCLUSIONS, GRN-RELATED; GRN Frontotemporal Dementia. Identifiers: Orphanet 100070, Orphanet 282, MedGen C1843792, MONDO:0011842, OMIM 607485. Disease mechanism: loss of function.
Neuronal ceroid lipofuscinosis 11. Also called: GRN-Related Neuronal Ceroid-Lipofuscinosis. Identifiers: Orphanet 314629, Orphanet 79262, MedGen C3539123, MONDO:0013866, OMIM 614706.

Submissions (3):

Labcorp Genetics (formerly Invitae), Labcorp
Classification: Pathogenic for Neuronal ceroid lipofuscinosis 11; GRN-related frontotemporal lobar degeneration with Tdp43 inclusions. Last evaluated: 2021-10-31. Review status: criteria provided, single submitter. Criteria: Invitae Variant Classification Sherloc (09022015). Collection method: clinical testing. Allele origin: germline.
Comment: This variant is not present in population databases (gnomAD no frequency). This sequence change creates a premature translational stop signal (p.Thr382Asnfs*32) in the GRN gene. It is expected to result in an absent or disrupted protein product. Loss-of-function variants in GRN are known to be pathogenic (PMID: 16862116, 16950801, 22608501). This premature translational stop signal has been observed in individual(s) with frontotemporal dementia (PMID: 17620546). It has also been observed to segregate with disease in related individuals. For these reasons, this variant has been classified as Pathogenic. ClinVar contains an entry for this variant (Variation ID: 98169). This variant is also known as c.1145insA (p.Thr382AsnfsX31).

OMIM
Classification: Pathogenic for FRONTOTEMPORAL DEMENTIA 2. Last evaluated: 2007-07-10. Review status: no assertion criteria provided. Collection method: literature only. Allele origin: germline. Not counted in ClinVar's aggregate classification.

VIB  Department of Molecular Genetics, University of Antwerp
No classification provided. Review status: no classification provided. Collection method: not provided. Allele origin: not provided. Not counted in ClinVar's aggregate classification.

Literature cited by the submitters: PubMed 16862116 (cited by Labcorp Genetics (formerly Invitae), Labcorp); PubMed 16950801 (cited by Labcorp Genetics (formerly Invitae), Labcorp); PubMed 22608501 (cited by Labcorp Genetics (formerly Invitae), Labcorp); PubMed 17620546 (cited by Labcorp Genetics (formerly Invitae), Labcorp and OMIM).